The following is an entry in ClinVar:

NM_000053.4(ATP7B):c.3313A>T (p.Lys1105Ter)

Gene: ATP7B (ATPase copper transporting beta; minus strand). Cytogenetic location: 13q14.3.
Variant type: single nucleotide variant.
Coding change: c.3313A>T on transcript NM_000053.4 (MANE Select); coding-DNA position 3313, A replaced by T.
Protein change: p.Lys1105Ter; replaces lysine 1105 with a stop codon.
Molecular consequence: nonsense.
Genome position (GRCh38, 1-based): chr13:51,942,485, T>A on the plus strand (A>T on the coding strand, the complement: ATP7B is on the minus strand). VCF-style: chr13-51942485-T-A. GRCh37 (hg19) VCF-style: chr13-52516621-T-A.
Other names: c.2692A>T, p.Lys898Ter (NM_001005918.3); c.2980A>T, p.Lys994Ter (NM_001243182.2); c.3079A>T, p.Lys1027Ter (NM_001330578.2); c.3061A>T, p.Lys1021Ter (NM_001330579.2); short protein forms K1021*, K1027*, K1105*, K898*, K994*.
Identifiers: ClinVar variation 983748 (VCV000983748.3), dbSNP rs1957395448, ClinGen allele CA388028444.

ClinVar aggregate classification (germline): Likely pathogenic (1 of 4 stars; one submission).

Conditions:
Wilson disease (WND). Also called: Wilson's disease. Identifiers: Orphanet 905, MedGen C0019202, MONDO:0010200, OMIM 277900. Disease mechanism: loss of function.

Submission:

Myriad Genetics, Inc.
Classification: Likely pathogenic for Wilson disease. Last evaluated: 2020-03-06. Review status: criteria provided, single submitter. Criteria: Myriad Women's Health Autosomal Recessive and X-Linked Classification Criteria (2019). Collection method: clinical testing. Allele origin: unknown.
Comment: NM_000053.3(ATP7B):c.3313A>T(K1105*) is expected to be pathogenic in the context of Wilson disease. This variant is predicted to lead to an abnormal or absent protein product due to the creation of a premature termination codon in ATP7B, a gene where loss-of-function variants are known to be pathogenic. Please note: this variant was assessed in the context of healthy population screening.